The following is an entry in ClinVar:

ClinVar aggregate classification (germline): Likely pathogenic (1 of 4 stars; one submission).

Conditions:
Ectodermal dysplasia 14, hair/tooth type with or without hypohidrosis. Identifiers: Orphanet 685067, MedGen C4748560, MONDO:0032584, OMIM 618180.

gnomAD v4.1: 414 of 1,613,918 alleles (0.026%); highest among the groups gnomAD compares: Non-Finnish European, 0.032%; 1 homozygote.

Submission:

Lupski Lab, Baylor-Hopkins CMG, Baylor College of Medicine
Classification: Likely pathogenic for Ectodermal dysplasia 14, hair/tooth type with or without hypohidrosis. Last evaluated: 2026-06-30. Review status: criteria provided, single submitter. Criteria: ACMG Guidelines, 2015. Collection method: research. Allele origin: maternal, paternal, germline. Inheritance: Autosomal recessive inheritance. Affected: no and yes. Observed: 4 variant alleles, 3 heterozygotes, 1 compound heterozygote. Clinical features observed: Periorbital wrinkles (HP:0000607), Hyperpigmentation of the skin (HP:0000953), Dry skin (HP:0000958), Thin skin (HP:0000963), Sparse scalp hair (HP:0002209), Slow-growing scalp hair (HP:0100038), Brittle hair (HP:0002299), Thin fingernail (HP:0012742), Slow-growing nails (HP:0008383), Tooth agenesis (HP:0009804), Hypodontia (HP:0000668), Small, conical teeth (HP:0200141), and 5 more.
Comment: This variant is the same amino acid change as a known pathogenic variant (chr21:44521955:GC>CA) (PS1_Strong= +4pts). This variant is at extremely low frequency in gnomAD population databases (PM2_Supporting= +1pt). It is a non-truncating, non-synonymous variant that is in an exonic hotspot. There are 6 pathogenic or likely pathogenic reported variants in a 178bp region surrounding this variant in exon 9, without any benign missense variants (Franklin)(PM1_Supporting= +1pt). 7 pts (PM3 + 1, PS1 +4, PM2 +1, PM1 +1).

NM_144991.3(TSPEAR):c.1493G>T (p.Gly498Val)

Gene: TSPEAR (thrombospondin type laminin G domain and EAR repeats; minus strand). Cytogenetic location: 21q22.3.
Variant type: single nucleotide variant.
Coding change: c.1493G>T on transcript NM_144991.3 (MANE Select); coding-DNA position 1493, G replaced by T.
Protein change: p.Gly498Val; replaces glycine 498 with valine.
Molecular consequence: missense variant.
Genome position (GRCh38, 1-based): chr21:44,521,956, C>A on the plus strand (G>T on the coding strand, the complement: TSPEAR is on the minus strand). VCF-style: chr21-44521956-C-A. GRCh37 (hg19) VCF-style: chr21-45941839-C-A.
Other names: c.1289G>T, p.Gly430Val (NM_001272037.2); short protein forms G498V, G430V.
Identifiers: ClinVar variation 4974483 (VCV004974483.1).